The following is an entry in ClinVar:

NM_024675.4(PALB2):c.43G>C (p.Glu15Gln)

Gene: PALB2 (partner and localizer of BRCA2; minus strand). Cytogenetic location: 16p12.2.
Variant type: single nucleotide variant.
Coding change: c.43G>C on transcript NM_024675.4 (MANE Select); coding-DNA position 43, G replaced by C.
Protein change: p.Glu15Gln; replaces glutamic acid 15 with glutamine.
Molecular consequence: missense variant.
Genome position (GRCh38, 1-based): chr16:23,641,115, C>G on the plus strand (G>C on the coding strand, the complement: PALB2 is on the minus strand). VCF-style: chr16-23641115-C-G. GRCh37 (hg19) VCF-style: chr16-23652436-C-G.
Other names: c.43G>C, p.Glu15Gln (NM_001407296.1, NM_001407297.1, NM_001407298.1 and 5 more transcripts); c.-1701G>C (NM_001407304.1, NM_001407310.1); c.-977G>C (NM_001407305.1, NM_001407307.1, NM_001407309.1 and 1 more transcripts); c.-110G>C (NM_001407312.1, NM_001407313.1); short protein forms E15Q.
Identifiers: ClinVar variation 2126658 (VCV002126658.5), dbSNP rs730881884, ClinGen allele CA395141025.

ClinVar aggregate classification (germline): Uncertain significance. Review status: criteria provided, multiple submitters, no conflicts (2 of 4 stars). 2 submissions from 2 submitters: Uncertain significance (2). Last evaluated 2023-06-02.

Conditions:
Familial cancer of breast. Also called: hereditary breast carcinoma; BREAST CANCER, FAMILIAL; Hereditary breast cancer. Identifiers: Orphanet 227535, MedGen C0346153, MONDO:0016419, OMIM 114480. Disease mechanism: loss of function.

Submissions (2):

Baylor Genetics
Classification: Uncertain significance for Familial cancer of breast. Last evaluated: 2023-06-02. Review status: criteria provided, single submitter. Criteria: ACMG Guidelines, 2015. Collection method: clinical testing. Allele origin: unknown.

Labcorp Genetics (formerly Invitae), Labcorp
Classification: Uncertain significance for Familial cancer of breast. Last evaluated: 2022-06-10. Review status: criteria provided, single submitter. Criteria: Invitae Variant Classification Sherloc (09022015). Collection method: clinical testing. Allele origin: germline.
Comment: In summary, the available evidence is currently insufficient to determine the role of this variant in disease. Therefore, it has been classified as a Variant of Uncertain Significance. Algorithms developed to predict the effect of missense changes on protein structure and function are either unavailable or do not agree on the potential impact of this missense change (SIFT: "Tolerated"; PolyPhen-2: "Probably Damaging"; Align-GVGD: "Class C0"). This variant has not been reported in the literature in individuals affected with PALB2-related conditions. This variant is not present in population databases (gnomAD no frequency). This sequence change replaces glutamic acid, which is acidic and polar, with glutamine, which is neutral and polar, at codon 15 of the PALB2 protein (p.Glu15Gln).